The following is an entry in ClinVar:

NM_004006.3(DMD):c.10121A>C (p.Lys3374Thr)

Gene: DMD (dystrophin; minus strand). Cytogenetic location: Xp21.2.
Variant type: single nucleotide variant.
Coding change: c.10121A>C on transcript NM_004006.3 (MANE Select); coding-DNA position 10121, A replaced by C.
Protein change: p.Lys3374Thr; replaces lysine 3374 with threonine.
Molecular consequence: missense variant.
Genome position (GRCh38, 1-based): chrX:31,178,771, T>G on the plus strand (A>C on the coding strand, the complement: DMD is on the minus strand). VCF-style: chrX-31178771-T-G. GRCh37 (hg19) VCF-style: chrX-31196888-T-G.
Other names: c.10097A>C, p.Lys3366Thr (NM_000109.4); c.10109A>C, p.Lys3370Thr (NM_004009.3); c.9752A>C, p.Lys3251Thr (NM_004010.3); c.6098A>C, p.Lys2033Thr (NM_004011.4); c.6089A>C, p.Lys2030Thr (NM_004012.4); c.2741A>C, p.Lys914Thr (NM_004013.3, NM_004020.4, NM_004021.3 and 2 more transcripts); c.1934A>C, p.Lys645Thr (NM_004014.3); c.917A>C, p.Lys306Thr (NM_004015.3, NM_004016.3, NM_004017.3 and 2 more transcripts); short protein forms K2030T, K2033T, K306T, K3251T, K3366T, K3370T, K3374T, K645T.
Identifiers: ClinVar variation 3376465 (VCV003376465.1).

ClinVar aggregate classification (germline): Uncertain significance (1 of 4 stars; one submission).

Conditions:
Duchenne muscular dystrophy (DMD). Also called: Duchenne Muscular Dystrophy (DMD); MUSCULAR DYSTROPHY, PSEUDOHYPERTROPHIC PROGRESSIVE, DUCHENNE TYPE. Identifiers: Orphanet 98896, MedGen C0013264, MONDO:0010679, OMIM 310200.

Submission:

Pittsburgh Clinical Genomics Laboratory, University of Pittsburgh Medical Center
Classification: Uncertain significance for Duchenne muscular dystrophy. Last evaluated: 2024-04-19. Review status: criteria provided, single submitter. Criteria: ACMG Guidelines, 2015. Collection method: clinical testing. Allele origin: germline. Inheritance: X-linked recessive inheritance. Affected: yes.
Comment: This sequence variant is a single nucleotide substitution (A>C) at position 10121 of the coding sequence of the DMD gene that results in a lysine to threonine amino acid change at residue 3374 of the dystrophin protein. This variant is absent from ClinVar and has not been observed in individuals affected by a DMD-related disorder in the published literature, to our knowledge. This variant is absent from the gnomAD v4.0.0 population database (0/1097348 alleles). Bioinformatic tools are inconclusive if this amino acid change will be damaging or tolerated, and the Lys3374 residue at this position is highly conserved across the vertebrate species examined. Studies examining the functional consequence of this variant have not been published, to our knowledge. At this time, there is insufficient evidence to determine if this variant is pathogenic or benign. Therefore, we consider this a variant of uncertain significance. ACMG Criteria: PM2